The following is an entry in ClinVar:

ClinVar aggregate classification (germline): Likely benign. Review status: criteria provided, single submitter (1 of 4 stars). 2 submissions from 2 submitters: Likely benign (1). 1 of the submissions does not count toward it. Last evaluated 2025-10-21.

Conditions:
YRDC-related disorder. Also called: YRDC-related condition.

Allele frequency attached by ClinVar (database versions not stated): ExAC 0.00014; 1000 Genomes Project 30x 0.00250; 1000 Genomes Project 0.00280.
gnomAD v4.1: 412 of 1,454,212 alleles (0.028%); highest among the groups gnomAD compares: African/African-American, 0.52%; 2 homozygotes.

Submissions (2):

Labcorp Genetics (formerly Invitae), Labcorp
Classification: Likely benign. Last evaluated: 2025-10-21. Review status: criteria provided, single submitter. Criteria: Invitae Variant Classification Sherloc (09022015). Collection method: clinical testing. Allele origin: germline.

PreventionGenetics, part of Exact Sciences
Classification: Likely benign for YRDC-related condition. Last evaluated: 2022-04-29. Review status: no assertion criteria provided. Collection method: clinical testing. Allele origin: germline. Not counted in ClinVar's aggregate classification.
Comment: This variant is classified as likely benign based on ACMG/AMP sequence variant interpretation guidelines (Richards et al. 2015 PMID: 25741868, with internal and published modifications).

NM_024640.4(YRDC):c.5C>G (p.Ser2Cys)

Genes: C1orf122 (chromosome 1 open reading frame 122; plus strand), YRDC (yrdC N6-threonylcarbamoyltransferase domain containing; minus strand). Cytogenetic location: 1p34.3.
Variant type: single nucleotide variant.
Coding change: c.5C>G on transcript NM_024640.4 (MANE Select); coding-DNA position 5, C replaced by G.
Protein change: p.Ser2Cys; replaces serine 2 with cysteine.
Molecular consequence: missense variant. On other transcripts: 5 prime UTR variant (2).
Genome position (GRCh38, 1-based): chr1:37,808,176, G>C on the plus strand (C>G on the coding strand, the complement: YRDC is on the minus strand). VCF-style: chr1-37808176-G-C. GRCh37 (hg19) VCF-style: chr1-38273848-G-C.
Other names: c.-285G>C (NM_001142726.2); c.-229G>C (NM_198446.3); short protein forms S2C.
Identifiers: ClinVar variation 1971465 (VCV001971465.7), dbSNP rs578235508, ClinGen allele CA774881.